The following is an entry in ClinVar:

ClinVar aggregate classification (germline): Uncertain significance (1 of 4 stars; one submission).

Submission:

Labcorp Genetics (formerly Invitae), Labcorp
Classification: Uncertain significance. Last evaluated: 2023-05-16. Review status: criteria provided, single submitter. Criteria: Invitae Variant Classification Sherloc (09022015). Collection method: clinical testing. Allele origin: germline.
Comment: This sequence change replaces proline, which is neutral and non-polar, with leucine, which is neutral and non-polar, at codon 73 of the CD46 protein (p.Pro73Leu). This variant is not present in population databases (gnomAD no frequency). This variant has not been reported in the literature in individuals affected with CD46-related conditions. Advanced modeling of protein sequence and biophysical properties (such as structural, functional, and spatial information, amino acid conservation, physicochemical variation, residue mobility, and thermodynamic stability) performed at Invitae indicates that this missense variant is not expected to disrupt CD46 protein function. In summary, the available evidence is currently insufficient to determine the role of this variant in disease. Therefore, it has been classified as a Variant of Uncertain Significance.

NM_172351.3(CD46):c.218C>T (p.Pro73Leu)

Gene: CD46 (CD46 molecule; plus strand). Cytogenetic location: 1q32.2.
Variant type: single nucleotide variant.
Coding change: c.218C>T on transcript NM_172351.3 (MANE Select); coding-DNA position 218, C replaced by T.
Protein change: p.Pro73Leu; replaces proline 73 with leucine.
Molecular consequence: missense variant.
Genome position (GRCh38, 1-based): chr1:207,757,134, C>T. VCF-style: chr1-207757134-C-T. GRCh37 (hg19) VCF-style: chr1-207930479-C-T.
Other names: c.218C>T, p.Pro73Leu (NM_002389.4, NM_153826.4, NM_172350.3 and 8 more transcripts); short protein forms P73L.
Identifiers: ClinVar variation 2842332 (VCV002842332.3), dbSNP rs2526401936, ClinGen allele CA344548167.
Genomic context (GRCh38, chr1:207,757,134, plus strand): 5'-ACTATGAGATTGGTGAACGAGTAGATTATAAGTGTAAAAAAGGATACTTCTATATACCTC[C>T]TCTTGCCACCCATACTATTTGTGATCGGAATCATACATGGCTACCTGTCTCAGATGACGC-3'
Protein context (NP_758861.1, residues 63-83): KCKKGYFYIP[Pro73Leu]LATHTICDRN